The following is an entry in ClinVar:

ClinVar aggregate classification (germline): Uncertain significance (1 of 4 stars; one submission).

Submission:

GeneDx
Classification: Uncertain significance. Last evaluated: 2023-11-28. Review status: criteria provided, single submitter. Criteria: GeneDx Variant Classification Process June 2021. Collection method: clinical testing. Allele origin: germline. Affected: yes.
Comment: Not observed at significant frequency in large population cohorts (gnomAD); In silico analysis supports that this missense variant does not alter protein structure/function; Has not been previously published as pathogenic or benign to our knowledge

NM_001967.4(EIF4A2):c.898G>A (p.Val300Ile)

Gene: EIF4A2 (eukaryotic translation initiation factor 4A2; plus strand). Cytogenetic location: 3q27.3.
Variant type: single nucleotide variant.
Coding change: c.898G>A on transcript NM_001967.4 (MANE Select); coding-DNA position 898, G replaced by A.
Protein change: p.Val300Ile; replaces valine 300 with isoleucine.
Molecular consequence: missense variant.
Genome position (GRCh38, 1-based): chr3:186,787,253, G>A. VCF-style: chr3-186787253-G-A. GRCh37 (hg19) VCF-style: chr3-186505042-G-A.
Other names: short protein forms V300I.
Identifiers: ClinVar variation 3364210 (VCV003364210.1).